The following is an entry in ClinVar:

ClinVar aggregate classification (germline): Conflicting classifications of pathogenicity. Review status: criteria provided, conflicting classifications (1 of 4 stars). 5 submissions from 5 submitters: Uncertain significance (4); Likely benign (1). Last evaluated 2025-12-21.

Conditions:
Developmental delay with variable intellectual impairment and behavioral abnormalities. Identifiers: MedGen C5193092, MONDO:0032745, OMIM 618430.
Inborn genetic diseases. Identifiers: MedGen C0950123, MeSH D030342.

Allele frequency attached by ClinVar (database versions not stated): gnomAD exomes 0.00001 and below 0.00001; gnomAD 0.00001; TOPMed 0.00004.
gnomAD v4.1: 9 of 1,614,106 alleles (0.00056%); highest among the groups gnomAD compares: Admixed American, 0.0033%; no homozygotes.

Submissions (5):

Labcorp Genetics (formerly Invitae), Labcorp
Classification: Likely benign. Last evaluated: 2025-12-21. Review status: criteria provided, single submitter. Criteria: Invitae Variant Classification Sherloc (09022015). Collection method: clinical testing. Allele origin: germline.

Ambry Genetics
Classification: Uncertain significance for Inborn genetic diseases. Last evaluated: 2024-03-07. Review status: criteria provided, single submitter. Criteria: Ambry Variant Classification Scheme 2023. Collection method: clinical testing. Allele origin: germline.

Mendelics
Classification: Uncertain significance. Last evaluated: 2022-05-04. Review status: criteria provided, single submitter. Criteria: Mendelics Assertion Criteria 2019. Collection method: clinical testing. Allele origin: germline.

Laboratorio de Genetica e Diagnostico Molecular, Hospital Israelita Albert Einstein
Classification: Uncertain significance for Developmental delay with variable intellectual impairment and behavioral abnormalities. Last evaluated: 2021-11-16. Review status: criteria provided, single submitter. Criteria: ACMG Guidelines, 2015. Collection method: clinical testing. Allele origin: germline. Affected: yes.
Comment: ACMG classification criteria: PM2 moderate, BP4 supporting

New York Genome Center
Classification: Uncertain significance for Developmental delay with variable intellectual impairment and behavioral abnormalities. Last evaluated: 2021-09-26. Review status: criteria provided, single submitter. Criteria: NYGC Assertion Criteria 2020. Collection method: clinical testing. Allele origin: germline. Observed: 1 heterozygote. Study: CSER-NYCKidSeq.

NM_001378418.1(TCF20):c.3121G>C (p.Glu1041Gln)

Gene: TCF20 (transcription factor 20; minus strand). Cytogenetic location: 22q13.2.
Variant type: single nucleotide variant.
Coding change: c.3121G>C on transcript NM_001378418.1 (MANE Select); coding-DNA position 3121, G replaced by C.
Protein change: p.Glu1041Gln; replaces glutamic acid 1041 with glutamine.
Molecular consequence: missense variant.
Genome position (GRCh38, 1-based): chr22:42,212,185, C>G on the plus strand (G>C on the coding strand, the complement: TCF20 is on the minus strand). VCF-style: chr22-42212185-C-G. GRCh37 (hg19) VCF-style: chr22-42608191-C-G.
Other names: c.3121G>C (NM_005650.3, NM_005650.1); c.3121G>C, p.Glu1041Gln (NM_005650.4, NM_181492.3); short protein forms E1041Q.
Identifiers: ClinVar variation 1683755 (VCV001683755.8), dbSNP rs1450225029, ClinGen allele CA411787184.